The following is an entry in ClinVar:

NM_000203.5(IDUA):c.1593del (p.Leu532fs)

Gene: IDUA (alpha-L-iduronidase; plus strand). Cytogenetic location: 4p16.3.
Variant type: Deletion.
Coding change: c.1593del on transcript NM_000203.5 (MANE Select); coding-DNA position 1593, one base deleted (G; older notation c.1593delG).
Protein change: p.Leu532fs; shifts the reading frame from leucine 532.
Molecular consequence: frameshift variant. On other transcripts: non-coding transcript variant (1).
Genome position (GRCh38, 1-based): chr4:1,003,413, G deleted; the last of 2 consecutive G bases (chr4:1,003,412-1,003,413); deleting either gives the same sequence. VCF-style (leftmost placement, unchanged base first): chr4-1003411-CG-C. GRCh37 (hg19) VCF-style: chr4-997199-CG-C.
Other names: NM_001363576.1:c.1197del; c.1197del, p.Leu400fs (NM_001363576.1); short protein forms L400fs, L532fs.
Identifiers: ClinVar variation 4539814 (VCV004539814.1).
Genomic context (GRCh38, chr4:1,003,411, plus strand): 5'-GTGGCCGCGGCGCCCCGCCCCTTACCCGCCGGCGGCCGCCTGACCCTGCGCCCCGCGCTG[CG>C]GCTGCCGTCGCTTTTGCTGGTGCACGTGTGTGCGCGCCCCGAGAAGCCGCCCGGGCAGGC-3'

ClinVar aggregate classification (germline): Pathogenic (3 of 4 stars; one submission).

Conditions:
Mucopolysaccharidosis type 1. Also called: IDUA deficiency; MPS I. Identifiers: Orphanet 579, MedGen C0023786, MONDO:0001586.

Submission:

ClinGen Lysosomal Storage Disorder Variant Curation Expert Panel
Classification: Pathogenic for Mucopolysaccharidosis type 1. Last evaluated: 2025-10-06. Review status: reviewed by expert panel. Criteria: ClinGen LSD ACMG Specifications IDUA V1.1.0. Collection method: curation. Allele origin: germline. Inheritance: Autosomal recessive inheritance.
Comment: The NM_000203.5:c.1593delG (p.Leu532CysfsTer28) variant in IDUA is a frameshift variant predicted to cause a premature stop codon in biologically-relevant-exon 12 out of 14, leading to nonsense mediated decay in a gene in which loss-of-function is an established disease mechanism (PVS1). The proband was compound heterozygous, phase unconfirmed, for the variant and another variant in IDUA that has been classified as pathogenic for MPS I by the ClinGen LD VCEP, c.2T>C (PMID: 21480867, 0.5 point). This variant is absent in gnomAD v4.1.0. (PM2_Supporting). In summary, this variant meets the criteria to be classified as pathogenic for MPS I based on the IDUA-specific ACMG/AMP criteria applied, as specified by the ClinGen Lysosomal Diseases Variant Curation Expert Panel (Specifications Version 1.1.0): PVS1, PM3_Supporting, PP4_Moderate, PM2_Supporting. (Classification approved by the ClinGen Lysosomal Diseases Variant Curation Expert Panel on October 6, 2025)